The following is an entry in ClinVar:

ClinVar aggregate classification (germline): Benign. Review status: criteria provided, multiple submitters, no conflicts (2 of 4 stars). 3 submissions from 3 submitters: Benign (2). 1 of the submissions does not count toward it. Last evaluated 2018-06-08.

Conditions:
SOX8-related disorder. Also called: SOX8-related condition.

Allele frequency attached by ClinVar (database versions not stated): gnomAD exomes 0.00064 and 0.00188; ExAC 0.00251; 1000 Genomes Project 30x 0.00531; 1000 Genomes Project 0.00579; ESP Exome Variant Server 0.00610; gnomAD 0.00648 and 0.00704; TOPMed 0.00735.
gnomAD v4.1: 1,952 of 1,612,146 alleles (0.12%); highest among the groups gnomAD compares: African/African-American, 2.2%; 20 homozygotes.

Submissions (3):

Labcorp Genetics (formerly Invitae), Labcorp
Classification: Benign. Last evaluated: 2018-06-08. Review status: criteria provided, single submitter. Criteria: Invitae Variant Classification Sherloc (09022015). Collection method: clinical testing. Allele origin: germline.

Breakthrough Genomics
Classification: Benign. Review status: criteria provided, single submitter. Criteria: ACMG Guidelines, 2015. Collection method: not provided. Allele origin: germline. Inheritance: Unknown mechanism. Affected: yes.

PreventionGenetics, part of Exact Sciences
Classification: Benign for SOX8-related condition. Last evaluated: 2019-05-06. Review status: no assertion criteria provided. Collection method: clinical testing. Allele origin: germline. Not counted in ClinVar's aggregate classification.
Comment: This variant is classified as benign based on ACMG/AMP sequence variant interpretation guidelines (Richards et al. 2015 PMID: 25741868, with internal and published modifications).

NM_014587.5(SOX8):c.1203C>T (p.Gly401=)

Gene: SOX8 (SRY-box transcription factor 8; plus strand). Cytogenetic location: 16p13.3.
Variant type: single nucleotide variant.
Coding change: c.1203C>T on transcript NM_014587.5 (MANE Select); coding-DNA position 1203, C replaced by T.
Protein change: p.Gly401=; no amino-acid change (glycine 401 retained).
Molecular consequence: synonymous variant.
Genome position (GRCh38, 1-based): chr16:985,248, C>T. VCF-style: chr16-985248-C-T. GRCh37 (hg19) VCF-style: chr16-1035248-C-T.
Identifiers: ClinVar variation 776958 (VCV000776958.6), dbSNP rs59101954, ClinGen allele CA7798394.